The following is an entry in ClinVar:

ClinVar aggregate classification (germline): Likely benign (1 of 4 stars; one submission).

Submission:

CeGaT Center for Human Genetics Tuebingen
Classification: Likely benign. Last evaluated: 2025-02-01. Review status: criteria provided, single submitter. Criteria: CeGaT Center For Human Genetics Tuebingen Variant Classification Criteria Version 2. Collection method: clinical testing. Allele origin: germline. Affected: yes. Observed: 1 variant allele.
Comment: OR2V2: PM2:Supporting, BP4, BP7

NM_206880.2(OR2V2):c.93G>A (p.Val31=)

Gene: OR2V2 (olfactory receptor family 2 subfamily V member 2; plus strand). Cytogenetic location: 5q35.3.
Variant type: single nucleotide variant.
Coding change: c.93G>A on transcript NM_206880.2 (MANE Select); coding-DNA position 93, G replaced by A.
Protein change: p.Val31=; no amino-acid change (valine 31 retained).
Molecular consequence: synonymous variant.
Genome position (GRCh38, 1-based): chr5:181,155,035, G>A. VCF-style: chr5-181155035-G-A. GRCh37 (hg19) VCF-style: chr5-180582035-G-A.
Identifiers: ClinVar variation 3770950 (VCV003770950.13).